The following is an entry in ClinVar:

ClinVar aggregate classification (germline): Uncertain significance. Review status: criteria provided, multiple submitters, no conflicts (2 of 4 stars). 2 submissions from 2 submitters: Uncertain significance (2). Last evaluated 2024-01-16.

Conditions:
Inborn genetic diseases. Identifiers: MedGen C0950123, MeSH D030342.

Allele frequency attached by ClinVar (database versions not stated): gnomAD exomes below 0.00001.

Submissions (2):

Ambry Genetics
Classification: Uncertain significance for Inborn genetic diseases. Last evaluated: 2024-01-16. Review status: criteria provided, single submitter. Criteria: Ambry Variant Classification Scheme 2023. Collection method: clinical testing. Allele origin: germline.

Labcorp Genetics (formerly Invitae), Labcorp
Classification: Uncertain significance. Last evaluated: 2023-07-16. Review status: criteria provided, single submitter. Criteria: Invitae Variant Classification Sherloc (09022015). Collection method: clinical testing. Allele origin: germline.
Comment: This sequence change replaces glycine, which is neutral and non-polar, with aspartic acid, which is acidic and polar, at codon 200 of the CFP protein (p.Gly200Asp). This variant is not present in population databases (gnomAD no frequency). This variant has not been reported in the literature in individuals affected with CFP-related conditions. Advanced modeling of protein sequence and biophysical properties (such as structural, functional, and spatial information, amino acid conservation, physicochemical variation, residue mobility, and thermodynamic stability) performed at Invitae indicates that this missense variant is not expected to disrupt CFP protein function. In summary, the available evidence is currently insufficient to determine the role of this variant in disease. Therefore, it has been classified as a Variant of Uncertain Significance.

NM_001145252.3(CFP):c.599G>A (p.Gly200Asp)

Gene: CFP (complement factor properdin; minus strand). Cytogenetic location: Xp11.23.
Variant type: single nucleotide variant.
Coding change: c.599G>A on transcript NM_001145252.3 (MANE Select); coding-DNA position 599, G replaced by A.
Protein change: p.Gly200Asp; replaces glycine 200 with aspartic acid.
Molecular consequence: missense variant.
Genome position (GRCh38, 1-based): chrX:47,627,308, C>T on the plus strand (G>A on the coding strand, the complement: CFP is on the minus strand). VCF-style: chrX-47627308-C-T. GRCh37 (hg19) VCF-style: chrX-47486707-C-T.
Other names: c.599G>A, p.Gly200Asp (NM_002621.2); short protein forms G200D.
Identifiers: ClinVar variation 2781821 (VCV002781821.4), dbSNP rs2519717142, ClinGen allele CA412838428.